The following is an entry in ClinVar:

NM_030632.3(ASXL3):c.258G>A (p.Ser86=)

Gene: ASXL3 (ASXL transcriptional regulator 3; plus strand). Cytogenetic location: 18q12.1.
Variant type: single nucleotide variant.
Coding change: c.258G>A on transcript NM_030632.3 (MANE Select); coding-DNA position 258, G replaced by A.
Protein change: p.Ser86=; no amino-acid change (serine 86 retained).
Molecular consequence: synonymous variant.
Genome position (GRCh38, 1-based): chr18:33,646,256, G>A. VCF-style: chr18-33646256-G-A. GRCh37 (hg19) VCF-style: chr18-31226220-G-A.
Identifiers: ClinVar variation 3031913 (VCV003031913.3), dbSNP rs371806703, ClinGen allele CA8933498.

ClinVar aggregate classification (germline): Likely benign. Review status: criteria provided, single submitter (1 of 4 stars). 2 submissions from 2 submitters: Likely benign (1). 1 of the submissions does not count toward it. Last evaluated 2024-10-02.

Conditions:
ASXL3-related disorder. Also called: ASXL3-related condition. Identifiers: MedGen CN381524.

Allele frequency attached by ClinVar (database versions not stated): ESP Exome Variant Server 0.00016.
gnomAD v4.1: 246 of 1,610,660 alleles (0.015%); highest among the groups gnomAD compares: Non-Finnish European, 0.013%; no homozygotes.

Submissions (2):

Blueprint Genetics
Classification: Likely benign. Last evaluated: 2024-10-02. Review status: criteria provided, single submitter. Criteria: ACMG Guidelines, 2015. Collection method: clinical testing. Allele origin: germline.

PreventionGenetics, part of Exact Sciences
Classification: Likely benign for ASXL3-related condition. Last evaluated: 2022-08-17. Review status: no assertion criteria provided. Collection method: clinical testing. Allele origin: germline. Not counted in ClinVar's aggregate classification.
Comment: This variant is classified as likely benign based on ACMG/AMP sequence variant interpretation guidelines (Richards et al. 2015 PMID: 25741868, with internal and published modifications).